The following is an entry in ClinVar:

ClinVar aggregate classification (germline): Likely benign. Review status: criteria provided, multiple submitters, no conflicts (2 of 4 stars). 3 submissions from 3 submitters: Likely benign (3). Last evaluated 2025-05-11.

Conditions:
Oligodontia-cancer predisposition syndrome. Also called: TOOTH AGENESIS-COLORECTAL CANCER SYNDROME. Identifiers: Orphanet 300576, MedGen C1837750, MONDO:0012075, OMIM 608615. Disease mechanism: loss of function.

Allele frequency attached by ClinVar (database versions not stated): gnomAD exomes below 0.00001 and 0.00001; ExAC 0.00001; gnomAD 0.00001; TOPMed 0.00001.

Submissions (3):

Labcorp Genetics (formerly Invitae), Labcorp
Classification: Likely benign for Oligodontia-cancer predisposition syndrome. Last evaluated: 2025-05-11. Review status: criteria provided, single submitter. Criteria: Invitae Variant Classification Sherloc (09022015). Collection method: clinical testing. Allele origin: germline.

Myriad Genetics, Inc.
Classification: Likely benign for Oligodontia-cancer predisposition syndrome. Last evaluated: 2024-07-08. Review status: criteria provided, single submitter. Criteria: Myriad Autosomal Dominant, Autosomal Recessive and X-Linked Classification Criteria (2023). Collection method: clinical testing. Allele origin: unknown.
Comment: This variant is considered likely benign. This variant is intronic and is not expected to impact mRNA splicing.

Blueprint Genetics
Classification: Likely benign. Last evaluated: 2022-03-03. Review status: criteria provided, single submitter. Criteria: ACMG Guidelines, 2015. Collection method: clinical testing. Allele origin: germline.

NM_004655.4(AXIN2):c.1713-15C>T

Gene: AXIN2 (axin 2; minus strand). Cytogenetic location: 17q24.1.
Variant type: single nucleotide variant.
Coding change: c.1713-15C>T on transcript NM_004655.4 (MANE Select); 15 bases into the intron before coding-DNA position 1713, C replaced by T.
Molecular consequence: intron variant.
Genome position (GRCh38, 1-based): chr17:65,537,078, G>A on the plus strand (C>T on the coding strand, the complement: AXIN2 is on the minus strand). VCF-style: chr17-65537078-G-A. GRCh37 (hg19) VCF-style: chr17-63533196-G-A.
Other names: c.1712+246C>T (NM_001363813.1).
Identifiers: ClinVar variation 1626104 (VCV001626104.10), dbSNP rs781193239, ClinGen allele CA8718549.